The following is an entry in ClinVar:

ClinVar aggregate classification (germline): Uncertain significance. Review status: criteria provided, single submitter (1 of 4 stars). 2 submissions from 2 submitters: Uncertain significance (1). 1 of the submissions does not count toward it. Last evaluated 2025-04-04.

Conditions:
POLYCYSTIC KIDNEY DISEASE 3 WITH POLYCYSTIC LIVER DISEASE.

Submissions (2):

GeneDx
Classification: Uncertain significance. Last evaluated: 2025-04-04. Review status: criteria provided, single submitter. Criteria: GeneDx Variant Classification Process June 2021. Collection method: clinical testing. Allele origin: germline.
Comment: Not observed at significant frequency in large population cohorts (gnomAD); In silico analysis supports that this missense variant has a deleterious effect on protein structure/function; This variant is associated with the following publications: (PMID: 27259053, 27576940, 37509056)

OMIM
Classification: Pathogenic for POLYCYSTIC KIDNEY DISEASE 3 WITH POLYCYSTIC LIVER DISEASE. Last evaluated: 2018-02-22. Review status: no assertion criteria provided. Collection method: literature only. Allele origin: germline. Not counted in ClinVar's aggregate classification.

Literature cited by the submitters: PubMed 27259053 (cited by OMIM).

NM_198334.3(GANAB):c.1199G>T (p.Arg400Leu)

Gene: GANAB (glucosidase II alpha subunit; minus strand). Cytogenetic location: 11q12.3.
Variant type: single nucleotide variant.
Coding change: c.1199G>T on transcript NM_198334.3 (MANE Select); coding-DNA position 1199, G replaced by T.
Protein change: p.Arg400Leu; replaces arginine 400 with leucine.
Molecular consequence: missense variant.
Genome position (GRCh38, 1-based): chr11:62,630,788, C>A on the plus strand (G>T on the coding strand, the complement: GANAB is on the minus strand). VCF-style: chr11-62630788-C-A. GRCh37 (hg19) VCF-style: chr11-62398260-C-A.
Other names: c.923G>T, p.Arg308Leu (NM_001278192.2); c.857G>T, p.Arg286Leu (NM_001278193.2); c.908G>T, p.Arg303Leu (NM_001278194.2, NM_001329222.2, NM_001329223.2); c.476G>T, p.Arg159Leu (NM_001329224.2, NM_001329225.2); c.1265G>T, p.Arg422Leu (NM_198335.4); short protein forms R422L, R159L, R286L, R303L, R308L, R400L.
Identifiers: ClinVar variation 253128 (VCV000253128.4), dbSNP rs770519542, ClinGen allele CA10586207.
Genomic context (GRCh38, chr11:62,630,788, plus strand): 5'-TTGTGATCATCAAAGCCCTGATCCACTTCCAGCACATCAGCCTCGTCCCGGTAGTTCCAA[C>A]GGCTCTGGTGGTAGCCGAGGGAGAAGAGTGGGGGCAACGCCTGGGTTCCTGCAGGTTCAT-3'
Protein context (NP_938148.1, residues 390-410): PLFSLGYHQS[Arg400Leu]WNYRDEADVL